The following is an entry in ClinVar:

NM_007194.4(CHEK2):c.1095+8A>G

Gene: CHEK2 (checkpoint kinase 2; minus strand). Cytogenetic location: 22q12.1.
Variant type: single nucleotide variant.
Coding change: c.1095+8A>G on transcript NM_007194.4 (MANE Select); 8 bases into the intron after coding-DNA position 1095, A replaced by G.
Molecular consequence: intron variant.
Genome position (GRCh38, 1-based): chr22:28,696,893, T>C on the plus strand (A>G on the coding strand, the complement: CHEK2 is on the minus strand). VCF-style: chr22-28696893-T-C. GRCh37 (hg19) VCF-style: chr22-29092881-T-C.
Other names: c.432+8A>G (NM_001437942.1, NM_001257387.3); c.894+8A>G (NM_001349956.3); c.1009-1020A>G (NM_145862.3); c.1102-1020A>G (NM_001438295.1); c.1188+8A>G (NM_001438293.1); c.1138-1020A>G (NM_001438294.1); c.1224+8A>G (NM_001005735.3).
Identifiers: ClinVar variation 387525 (VCV000387525.27), dbSNP rs1057522814, ClinGen allele CA16608143.

ClinVar aggregate classification (germline): Likely benign. Review status: criteria provided, multiple submitters, no conflicts (2 of 4 stars). 4 submissions from 4 submitters: Likely benign (4). Last evaluated 2026-01-20.

Conditions:
Hereditary cancer-predisposing syndrome. Also called: Hereditary Cancer Syndrome; Hereditary neoplastic syndrome; Neoplastic Syndromes, Hereditary; Tumor predisposition. Identifiers: Orphanet 140162, MedGen C0027672, MeSH D009386, MONDO:0015356.
Familial cancer of breast. Also called: Hereditary breast cancer; hereditary breast carcinoma; BREAST CANCER, FAMILIAL. Identifiers: Orphanet 227535, MedGen C0346153, MONDO:0016419, OMIM 114480. Disease mechanism: loss of function.

Allele frequency attached by ClinVar (database versions not stated): gnomAD exomes below 0.00001 and 0.00001.
gnomAD v4.1: 6 of 1,593,098 alleles (0.00038%); highest among the groups gnomAD compares: Non-Finnish European, 0.00052%; no homozygotes.

Submissions (4):

Labcorp Genetics (formerly Invitae), Labcorp
Classification: Likely benign for Familial cancer of breast. Last evaluated: 2026-01-20. Review status: criteria provided, single submitter. Criteria: Invitae Variant Classification Sherloc (09022015). Collection method: clinical testing. Allele origin: germline.

Myriad Genetics, Inc.
Classification: Likely benign for Familial cancer of breast. Last evaluated: 2024-10-04. Review status: criteria provided, single submitter. Criteria: Myriad Autosomal Dominant, Autosomal Recessive and X-Linked Classification Criteria (2023). Collection method: clinical testing. Allele origin: unknown.
Comment: This variant is considered likely benign. This variant is intronic and is not expected to impact mRNA splicing.

Color Diagnostics, LLC DBA Color Health
Classification: Likely benign for Hereditary cancer-predisposing syndrome. Last evaluated: 2018-02-23. Review status: criteria provided, single submitter. Criteria: ACMG Guidelines, 2015. Collection method: clinical testing. Allele origin: germline.

GeneDx
Classification: Likely benign. Last evaluated: 2016-06-30. Review status: criteria provided, single submitter. Criteria: GeneDx Variant Classification (06012015). Collection method: clinical testing. Allele origin: germline. Affected: yes.
Comment: This variant is considered likely benign or benign based on one or more of the following criteria: it is a conservative change, it occurs at a poorly conserved position in the protein, it is predicted to be benign by multiple in silico algorithms, and/or has population frequency not consistent with disease.